The following is an entry in ClinVar:

NM_002769.5(PRSS1):c.145G>T (p.Gly49Cys)

Genes: TRB (T cell receptor beta locus; plus strand), PRSS1 (serine protease 1; plus strand). Cytogenetic location: 7q34.
Variant type: single nucleotide variant.
Coding change: c.145G>T on transcript NM_002769.5 (MANE Select); coding-DNA position 145, G replaced by T.
Protein change: p.Gly49Cys; replaces glycine 49 with cysteine.
Molecular consequence: missense variant. On other transcripts: non-coding transcript variant (4).
Genome position (GRCh38, 1-based): chr7:142,750,659, G>T. VCF-style: chr7-142750659-G-T. GRCh37 (hg19) VCF-style: chr7-142458510-G-T.
Other names: short protein forms G49C.
Identifiers: ClinVar variation 3222787 (VCV003222787.1), dbSNP rs1798623838, ClinGen allele CA369607397.

ClinVar aggregate classification (germline): Uncertain significance (1 of 4 stars; one submission).

Conditions:
Hereditary pancreatitis (PCTT). Also called: Hereditary chronic pancreatitis; PRSS1-Related Hereditary Pancreatitis. Identifiers: Orphanet 676, MedGen C0238339, MONDO:0008185, OMIM 167800.

Submission:

Ambry Genetics
Classification: Uncertain significance for Hereditary pancreatitis. Last evaluated: 2023-10-27. Review status: criteria provided, single submitter. Criteria: Ambry Variant Classification Scheme 2023. Collection method: clinical testing. Allele origin: germline.
Comment: The p.G49C variant (also known as c.145G>T), located in coding exon 2 of the PRSS1 gene, results from a G to T substitution at nucleotide position 145. The glycine at codon 49 is replaced by cysteine, an amino acid with highly dissimilar properties. This amino acid position is conserved. In addition, this alteration is predicted to be deleterious by in silico analysis. Since supporting evidence is limited at this time, the clinical significance of this alteration remains unclear.